The following is an entry in ClinVar:

ClinVar aggregate classification (germline): Likely pathogenic (1 of 4 stars; one submission).

Submission:

Labcorp Genetics (formerly Invitae), Labcorp
Classification: Likely pathogenic. Last evaluated: 2019-04-17. Review status: criteria provided, single submitter. Criteria: Invitae Variant Classification Sherloc (09022015). Collection method: clinical testing. Allele origin: germline.
Comment: This sequence change affects an acceptor splice site in intron 5 of the PPP1R21 gene. It is expected to disrupt RNA splicing and likely results in an absent or disrupted protein product. This variant is not present in population databases (ExAC no frequency). This variant has not been reported in the literature in individuals with PPP1R21-related conditions. Donor and acceptor splice site variants typically lead to a loss of protein function (PMID: 16199547), and loss-of-function variants in PPP1R21 are known to be pathogenic (PMID: 30520571). In summary, the currently available evidence indicates that the variant is pathogenic, but additional data are needed to prove that conclusively. Therefore, this variant has been classified as Likely Pathogenic.

Literature cited by the submitters: PubMed 16199547; PubMed 30520571.

NM_001135629.3(PPP1R21):c.541-2A>G

Gene: PPP1R21 (protein phosphatase 1 regulatory subunit 21; plus strand). Cytogenetic location: 2p16.3.
Variant type: single nucleotide variant.
Coding change: c.541-2A>G on transcript NM_001135629.3 (MANE Select); the canonical splice acceptor site of the intron before coding-DNA position 541, A replaced by G.
Molecular consequence: splice acceptor variant.
Genome position (GRCh38, 1-based): chr2:48,460,093, A>G. VCF-style: chr2-48460093-A-G. GRCh37 (hg19) VCF-style: chr2-48687232-A-G.
Other names: c.541-2A>G (NM_152994.5, NM_001193475.2).
Identifiers: ClinVar variation 844226 (VCV000844226.3), dbSNP rs1667910868, ClinGen allele CA346746370.